The following is an entry in ClinVar:

NM_007315.4(STAT1):c.1867G>A (p.Gly623Arg)

Gene: STAT1 (signal transducer and activator of transcription 1; minus strand). Cytogenetic location: 2q32.2.
Variant type: single nucleotide variant.
Coding change: c.1867G>A on transcript NM_007315.4 (MANE Select); coding-DNA position 1867, G replaced by A.
Protein change: p.Gly623Arg; replaces glycine 623 with arginine.
Molecular consequence: missense variant.
Genome position (GRCh38, 1-based): chr2:190,978,862, C>T on the plus strand (G>A on the coding strand, the complement: STAT1 is on the minus strand). VCF-style: chr2-190978862-C-T. GRCh37 (hg19) VCF-style: chr2-191843588-C-T.
Other names: c.1807G>A, p.Gly603Arg (NM_001384880.1); c.1873G>A, p.Gly625Arg (NM_001384881.1, NM_001384884.1); c.1861G>A, p.Gly621Arg (NM_001384882.1); c.1768G>A, p.Gly590Arg (NM_001384883.1); c.1708G>A, p.Gly570Arg (NM_001384885.1); c.1867G>A, p.Gly623Arg (NM_001384886.1, NM_001384889.1, NM_139266.3); c.1774G>A, p.Gly592Arg (NM_001384887.1); c.1837G>A, p.Gly613Arg (NM_001384888.1); and 2 more; short protein forms G592R, G593R, G621R, G635R, G590R, G623R, G570R, G603R.
Identifiers: ClinVar variation 1981469 (VCV001981469.4), dbSNP rs1324953258, ClinGen allele CA349913332.

ClinVar aggregate classification (germline): Uncertain significance (1 of 4 stars; one submission).

Conditions:
Immunodeficiency 31B. Also called: IMMUNODEFICIENCY 31B, MYCOBACTERIAL AND VIRAL INFECTIONS, AUTOSOMAL RECESSIVE; STAT1 DEFICIENCY, AUTOSOMAL RECESSIVE. Identifiers: Orphanet 391311, MedGen C3151088, MONDO:0013427, OMIM 613796.
Autoimmune enteropathy and endocrinopathy - susceptibility to chronic infections syndrome. Also called: Immunodeficiency 31C; Immunodeficiency 31C, autosomal dominant. Identifiers: Orphanet 391487, MedGen C3279990, MONDO:0013599, OMIM 614162.
Mendelian susceptibility to mycobacterial diseases due to partial STAT1 deficiency. Also called: IMMUNODEFICIENCY 31A, MYCOBACTERIOSIS, AUTOSOMAL DOMINANT; STAT1 DEFICIENCY, AUTOSOMAL DOMINANT; Immunodeficiency 31a. Identifiers: Orphanet 319595, MedGen C4013950, MONDO:0013956, OMIM 614892.

Allele frequency attached by ClinVar (database versions not stated): gnomAD exomes below 0.00001; gnomAD 0.00001; TOPMed 0.00001.
gnomAD v4.1: 3 of 1,613,950 alleles (0.00019%); highest among the groups gnomAD compares: Non-Finnish European, 0.00017%; no homozygotes.

Submission:

Labcorp Genetics (formerly Invitae), Labcorp
Classification: Uncertain significance for Mendelian susceptibility to mycobacterial diseases due to partial STAT1 deficiency; Immunodeficiency 31B; Autoimmune enteropathy and endocrinopathy - susceptibility to chronic infections syndrome. Last evaluated: 2022-08-27. Review status: criteria provided, single submitter. Criteria: Invitae Variant Classification Sherloc (09022015). Collection method: clinical testing. Allele origin: germline.
Comment: Algorithms developed to predict the effect of missense changes on protein structure and function are either unavailable or do not agree on the potential impact of this missense change (SIFT: "Tolerated"; PolyPhen-2: "Possibly Damaging"; Align-GVGD: "Class C0"). This sequence change replaces glycine, which is neutral and non-polar, with arginine, which is basic and polar, at codon 623 of the STAT1 protein (p.Gly623Arg). This variant is present in population databases (no rsID available, gnomAD 0.007%). This variant has not been reported in the literature in individuals affected with STAT1-related conditions. In summary, the available evidence is currently insufficient to determine the role of this variant in disease. Therefore, it has been classified as a Variant of Uncertain Significance.